The following is an entry in ClinVar:

NM_183050.4(BCKDHB):c.646A>G (p.Arg216Gly)

Gene: BCKDHB (branched chain keto acid dehydrogenase E1 subunit beta; plus strand). Cytogenetic location: 6q14.1.
Variant type: single nucleotide variant.
Coding change: c.646A>G on transcript NM_183050.4 (MANE Select); coding-DNA position 646, A replaced by G.
Protein change: p.Arg216Gly; replaces arginine 216 with glycine.
Molecular consequence: missense variant. On other transcripts: non-coding transcript variant (1).
Genome position (GRCh38, 1-based): chr6:80,171,294, A>G. VCF-style: chr6-80171294-A-G. GRCh37 (hg19) VCF-style: chr6-80881011-A-G.
Other names: c.646A>G, p.Arg216Gly (NM_000056.5); c.436A>G, p.Arg146Gly (NM_001318975.1); short protein forms R216G, R146G.
Identifiers: ClinVar variation 2136444 (VCV002136444.4), dbSNP rs2481919576, ClinGen allele CA364658493.

ClinVar aggregate classification (germline): Likely pathogenic (1 of 4 stars; one submission).

Conditions:
Maple syrup urine disease (MSUD). Identifiers: Orphanet 511, MedGen C0024776, MeSH D008375, MONDO:0009563. Disease mechanism: loss of function.

Submission:

Labcorp Genetics (formerly Invitae), Labcorp
Classification: Likely pathogenic for Maple syrup urine disease. Last evaluated: 2022-12-05. Review status: criteria provided, single submitter. Criteria: Invitae Variant Classification Sherloc (09022015). Collection method: clinical testing. Allele origin: germline.
Comment: This sequence change replaces arginine, which is basic and polar, with glycine, which is neutral and non-polar, at codon 216 of the BCKDHB protein (p.Arg216Gly). This variant is not present in population databases (gnomAD no frequency). In summary, the currently available evidence indicates that the variant is pathogenic, but additional data are needed to prove that conclusively. Therefore, this variant has been classified as Likely Pathogenic. Advanced modeling of protein sequence and biophysical properties (such as structural, functional, and spatial information, amino acid conservation, physicochemical variation, residue mobility, and thermodynamic stability) performed at Invitae indicates that this missense variant is expected to disrupt BCKDHB protein function. This missense change has been observed in individual(s) with maple syrup urine disease (PMID: 16786533).

Literature cited by the submitters: PubMed 16786533.